The following is an entry in ClinVar:

ClinVar aggregate classification (germline): Conflicting classifications of pathogenicity. Review status: criteria provided, conflicting classifications (1 of 4 stars). 3 submissions from 3 submitters: Uncertain significance (2); Likely benign (1). Last evaluated 2025-06-13.

Conditions:
Inborn genetic diseases. Identifiers: MedGen C0950123, MeSH D030342.

Allele frequency attached by ClinVar (database versions not stated): gnomAD exomes below 0.00001.
gnomAD v4.1: 1 of 1,209,330 alleles (0.000083%); highest among the groups gnomAD compares: Non-Finnish European, 0.00011%; no homozygotes.

Submissions (3):

Ambry Genetics
Classification: Likely benign for Inborn genetic diseases. Last evaluated: 2025-06-13. Review status: criteria provided, single submitter. Criteria: Ambry Variant Classification Scheme 2023. Collection method: clinical testing. Allele origin: germline.

Labcorp Genetics (formerly Invitae), Labcorp
Classification: Uncertain significance. Last evaluated: 2023-05-23. Review status: criteria provided, single submitter. Criteria: Invitae Variant Classification Sherloc (09022015). Collection method: clinical testing. Allele origin: germline.
Comment: In summary, the available evidence is currently insufficient to determine the role of this variant in disease. Therefore, it has been classified as a Variant of Uncertain Significance. Algorithms developed to predict the effect of missense changes on protein structure and function output the following: SIFT: "Not Available"; PolyPhen-2: "Benign"; Align-GVGD: "Not Available". The isoleucine amino acid residue is found in multiple mammalian species, which suggests that this missense change does not adversely affect protein function. ClinVar contains an entry for this variant (Variation ID: 1959498). This variant has not been reported in the literature in individuals affected with HUWE1-related conditions. This variant is not present in population databases (gnomAD no frequency). This sequence change replaces valine, which is neutral and non-polar, with isoleucine, which is neutral and non-polar, at codon 922 of the HUWE1 protein (p.Val922Ile).

Blueprint Genetics
Classification: Uncertain significance. Last evaluated: 2022-09-08. Review status: criteria provided, single submitter. Criteria: ACMG Guidelines, 2015. Collection method: clinical testing. Allele origin: germline.

NM_031407.7(HUWE1):c.2764G>A (p.Val922Ile)

Gene: HUWE1 (HECT, UBA and WWE domain containing E3 ubiquitin protein ligase 1; minus strand). Cytogenetic location: Xp11.22.
Variant type: single nucleotide variant.
Coding change: c.2764G>A on transcript NM_031407.7 (MANE Select); coding-DNA position 2764, G replaced by A.
Protein change: p.Val922Ile; replaces valine 922 with isoleucine.
Molecular consequence: missense variant.
Genome position (GRCh38, 1-based): chrX:53,603,480, C>T on the plus strand (G>A on the coding strand, the complement: HUWE1 is on the minus strand). VCF-style: chrX-53603480-C-T. GRCh37 (hg19) VCF-style: chrX-53630441-C-T.
Other names: c.2764G>A (NM_031407.4); short protein forms V922I.
Identifiers: ClinVar variation 1959498 (VCV001959498.8), dbSNP rs2526829751, ClinGen allele CA413180720.
Genomic context (GRCh38, chrX:53,603,480, plus strand): 5'-AGTATAACTGGCTCAGCTTGCTCAAAACACTCAGACCCAATTGAGAGCCCCACTGGTTTA[C>T]GGAGATGGAACGAATTTCACTCTGCAATCATAACAAGAATTTCACCTTTGGGATGTTCTC-3'
Protein context (NP_113584.3, residues 912-932): VGQSEIRSIS[Val922Ile]NQWGSQLGLS